The following is an entry in ClinVar:

ClinVar aggregate classification (germline): Uncertain significance. Review status: criteria provided, multiple submitters, no conflicts (2 of 4 stars). 3 submissions from 3 submitters: Uncertain significance (3). Last evaluated 2025-10-23.

Conditions:
LTBP3-related disorder. Also called: LTBP3-related condition.
Brachyolmia-amelogenesis imperfecta syndrome. Also called: PLATYSPONDYLY WITH AMELOGENESIS IMPERFECTA; Tooth agenesis, selective, 6; Dental anomalies and short stature. Identifiers: Orphanet 2899, MedGen C1832594, MONDO:0011018, OMIM 601216. Disease mechanism: loss of function.
Inborn genetic diseases. Identifiers: MedGen C0950123, MeSH D030342.

gnomAD v4.1: 1 of 1,614,102 alleles (0.000062%); no homozygotes.

Submissions (3):

PreventionGenetics, part of Exact Sciences
Classification: Uncertain significance for LTBP3-related condition. Last evaluated: 2025-10-23. Review status: criteria provided, single submitter. Criteria: ACMG Guidelines, 2015. Collection method: clinical testing. Allele origin: germline.
Comment: The LTBP3 c.2386G>A variant is predicted to result in the amino acid substitution p.Asp796Asn. To our knowledge, this variant has not been reported in the literature or in a large population database (gnomAD), indicating this variant is rare. At this time, the clinical significance of this variant is uncertain due to the absence of conclusive functional and genetic evidence.

Labcorp Genetics (formerly Invitae), Labcorp
Classification: Uncertain significance for Brachyolmia-amelogenesis imperfecta syndrome. Last evaluated: 2023-08-27. Review status: criteria provided, single submitter. Criteria: Invitae Variant Classification Sherloc (09022015). Collection method: clinical testing. Allele origin: germline.
Comment: This sequence change replaces aspartic acid, which is acidic and polar, with asparagine, which is neutral and polar, at codon 796 of the LTBP3 protein (p.Asp796Asn). This variant is not present in population databases (gnomAD no frequency). This variant has not been reported in the literature in individuals affected with LTBP3-related conditions. Algorithms developed to predict the effect of missense changes on protein structure and function output the following: SIFT: "Not Available"; PolyPhen-2: "Benign"; Align-GVGD: "Not Available". The asparagine amino acid residue is found in multiple mammalian species, which suggests that this missense change does not adversely affect protein function. In summary, the available evidence is currently insufficient to determine the role of this variant in disease. Therefore, it has been classified as a Variant of Uncertain Significance.

Ambry Genetics
Classification: Uncertain significance for Inborn genetic diseases. Last evaluated: 2023-07-20. Review status: criteria provided, single submitter. Criteria: Ambry Variant Classification Scheme 2023. Collection method: clinical testing. Allele origin: germline.
Comment: The p.D796N variant (also known as c.2386G>A), located in coding exon 17 of the LTBP3 gene, results from a G to A substitution at nucleotide position 2386. The aspartic acid at codon 796 is replaced by asparagine, an amino acid with highly similar properties. This amino acid position is conserved. In addition, this alteration is predicted to be tolerated by in silico analysis. Since supporting evidence is limited at this time, the clinical significance of this alteration remains unclear.

NM_001130144.3(LTBP3):c.2386G>A (p.Asp796Asn)

Gene: LTBP3 (latent transforming growth factor beta binding protein 3; minus strand). Cytogenetic location: 11q13.1.
Variant type: single nucleotide variant.
Coding change: c.2386G>A on transcript NM_001130144.3 (MANE Select); coding-DNA position 2386, G replaced by A.
Protein change: p.Asp796Asn; replaces aspartic acid 796 with asparagine.
Molecular consequence: missense variant.
Genome position (GRCh38, 1-based): chr11:65,543,517, C>T on the plus strand (G>A on the coding strand, the complement: LTBP3 is on the minus strand). VCF-style: chr11-65543517-C-T. GRCh37 (hg19) VCF-style: chr11-65310988-C-T.
Other names: c.2035G>A, p.Asp679Asn (NM_001164266.1); c.2386G>A, p.Asp796Asn (NM_021070.4); short protein forms D679N, D796N.
Identifiers: ClinVar variation 2625056 (VCV002625056.6), dbSNP rs2496139767, ClinGen allele CA381269390.